The following is an entry in ClinVar:

ClinVar aggregate classification (germline): Uncertain significance (1 of 4 stars; one submission).

Conditions:
Hemochromatosis type 4 (HFE4). Also called: Ferroportin disease; HEMOCHROMATOSIS DUE TO DEFECT IN FERROPORTIN; HEMOCHROMATOSIS, AUTOSOMAL DOMINANT. Identifiers: Orphanet 139491, Orphanet 647834, Orphanet 648562, MedGen C1853733, MONDO:0011631, OMIM 606069.

Submission:

Labcorp Genetics (formerly Invitae), Labcorp
Classification: Uncertain significance for Hemochromatosis type 4. Last evaluated: 2025-07-08. Review status: criteria provided, single submitter. Criteria: Invitae Variant Classification Sherloc (09022015). Collection method: clinical testing. Allele origin: germline.
Comment: This sequence change replaces alanine, which is neutral and non-polar, with valine, which is neutral and non-polar, at codon 149 of the SLC40A1 protein (p.Ala149Val). This variant is not present in population databases (gnomAD no frequency). This variant has not been reported in the literature in individuals affected with SLC40A1-related conditions. Invitae Evidence Modeling of protein sequence and biophysical properties (such as structural, functional, and spatial information, amino acid conservation, physicochemical variation, residue mobility, and thermodynamic stability) has been performed for this missense variant. However, the output from this modeling did not meet the statistical confidence thresholds required to predict the impact of this variant on SLC40A1 protein function. In summary, the available evidence is currently insufficient to determine the role of this variant in disease. Therefore, it has been classified as a Variant of Uncertain Significance.

NM_014585.6(SLC40A1):c.446C>T (p.Ala149Val)

Gene: SLC40A1 (solute carrier family 40 member 1; minus strand). Cytogenetic location: 2q32.2.
Variant type: single nucleotide variant.
Coding change: c.446C>T on transcript NM_014585.6 (MANE Select); coding-DNA position 446, C replaced by T.
Protein change: p.Ala149Val; replaces alanine 149 with valine.
Molecular consequence: missense variant.
Genome position (GRCh38, 1-based): chr2:189,571,783, G>A on the plus strand (C>T on the coding strand, the complement: SLC40A1 is on the minus strand). VCF-style: chr2-189571783-G-A. GRCh37 (hg19) VCF-style: chr2-190436509-G-A.
Other names: short protein forms A149V.
Identifiers: ClinVar variation 4802973 (VCV004802973.1).
Genomic context (GRCh38, chr2:189,571,783, plus strand): 5'-TTGCTTCTGTCTTCTCCTGCAACAACAACAATCCAATCCCTTTGGATTGTGATTGCAGTA[G>A]CAGTACTGGCCAAATTTGCAATATTTGCAATAGTGATGATCAGGATATAGCAGGAAGTCT-3'
Protein context (NP_055400.1, residues 139-159): IANIANLAST[Ala149Val]TAITIQRDWI